The following is an entry in ClinVar:

ClinVar aggregate classification (germline): Uncertain significance (1 of 4 stars; one submission).

Submission:

GeneDx
Classification: Uncertain significance. Last evaluated: 2022-06-30. Review status: criteria provided, single submitter. Criteria: GeneDx Variant Classification Process June 2021. Collection method: clinical testing. Allele origin: germline. Affected: yes.
Comment: Not observed at significant frequency in large population cohorts (gnomAD); In silico analysis supports a deleterious effect on splicing; Has not been previously published as pathogenic or benign to our knowledge

NM_001127453.2(GSDME):c.1183+3A>T

Gene: GSDME (gasdermin E; minus strand). Cytogenetic location: 7p15.3.
Variant type: single nucleotide variant.
Coding change: c.1183+3A>T on transcript NM_001127453.2 (MANE Select); 3 bases into the intron after coding-DNA position 1183, A replaced by T.
Molecular consequence: intron variant.
Genome position (GRCh38, 1-based): chr7:24,706,181, T>A on the plus strand (A>T on the coding strand, the complement: GSDME is on the minus strand). VCF-style: chr7-24706181-T-A. GRCh37 (hg19) VCF-style: chr7-24745800-T-A.
Other names: c.691+3A>T (NM_001127454.2); c.1183+3A>T (NM_004403.3).
Identifiers: ClinVar variation 1810155 (VCV001810155.1), dbSNP rs2534973082, ClinGen allele CA2580076959.
Genomic context (GRCh38, chr7:24,706,181, plus strand): 5'-AGATAGTAGGCAAAGCATTTTAAAGCAGCAGCAGCCATTTCTTTCATTTTCTTTTCTCCT[T>A]ACCTGCGAGGGCACTGACCAAGAAGTAGGCTGTCATAAACAGCTGCTTGCTGCCTGCATC-3'